The following is an entry in ClinVar:

ClinVar aggregate classification (germline): Uncertain significance. Review status: criteria provided, multiple submitters, no conflicts (2 of 4 stars). 2 submissions from 2 submitters: Uncertain significance (2). Last evaluated 2022-03-19.

Conditions:
Developmental and epileptic encephalopathy, 12 (DEE12). Identifiers: MedGen C3150988, MONDO:0013389, OMIM 613722.

Allele frequency attached by ClinVar (database versions not stated): TOPMed below 0.00001.
gnomAD v4.1: 1 of 1,614,192 alleles (0.000062%); highest among the groups gnomAD compares: Non-Finnish European, 0.000085%; no homozygotes.

Submissions (2):

Labcorp Genetics (formerly Invitae), Labcorp
Classification: Uncertain significance for Developmental and epileptic encephalopathy, 12. Last evaluated: 2022-03-19. Review status: criteria provided, single submitter. Criteria: Invitae Variant Classification Sherloc (09022015). Collection method: clinical testing. Allele origin: germline.
Comment: This sequence change replaces proline, which is neutral and non-polar, with threonine, which is neutral and polar, at codon 200 of the PNKP protein (p.Pro200Thr). In summary, the available evidence is currently insufficient to determine the role of this variant in disease. Therefore, it has been classified as a Variant of Uncertain Significance. Algorithms developed to predict the effect of missense changes on protein structure and function are either unavailable or do not agree on the potential impact of this missense change (SIFT: "Deleterious"; PolyPhen-2: "Benign"; Align-GVGD: "Class C0"). ClinVar contains an entry for this variant (Variation ID: 436351). This variant has not been reported in the literature in individuals affected with PNKP-related conditions. This variant is not present in population databases (gnomAD no frequency).

Genetic Services Laboratory, University of Chicago
Classification: Uncertain significance. Last evaluated: 2016-05-03. Review status: criteria provided, single submitter. Criteria: ACMG Guidelines, 2015. Collection method: clinical testing. Allele origin: germline. Affected: no.

NM_007254.4(PNKP):c.598C>A (p.Pro200Thr)

Gene: PNKP (polynucleotide kinase 3'-phosphatase; minus strand). Cytogenetic location: 19q13.33.
Variant type: single nucleotide variant.
Coding change: c.598C>A on transcript NM_007254.4 (MANE Select); coding-DNA position 598, C replaced by A.
Protein change: p.Pro200Thr; replaces proline 200 with threonine.
Molecular consequence: missense variant.
Genome position (GRCh38, 1-based): chr19:49,864,217, G>T on the plus strand (C>A on the coding strand, the complement: PNKP is on the minus strand). VCF-style: chr19-49864217-G-T. GRCh37 (hg19) VCF-style: chr19-50367474-G-T.
Other names: short protein forms P200T.
Identifiers: ClinVar variation 436351 (VCV000436351.10), dbSNP rs1555811465, ClinGen allele CA406886774.